The following is an entry in ClinVar:

ClinVar aggregate classification (germline): Uncertain significance (1 of 4 stars; one submission).

Conditions:
Loeys-Dietz syndrome 4 (LDS4). Also called: TGFB2-Related Loeys-Dietz Syndrome; ANEURYSM, AORTIC AND CEREBRAL, WITH ARTERIAL TORTUOSITY AND SKELETAL MANIFESTATIONS. Identifiers: MedGen C3553762, MONDO:0013897, OMIM 614816.

Submission:

Labcorp Genetics (formerly Invitae), Labcorp
Classification: Uncertain significance for Loeys-Dietz syndrome 4. Last evaluated: 2021-11-12. Review status: criteria provided, single submitter. Criteria: Invitae Variant Classification Sherloc (09022015). Collection method: clinical testing. Allele origin: germline.
Comment: In summary, the available evidence is currently insufficient to determine the role of this variant in disease. Therefore, it has been classified as a Variant of Uncertain Significance. Experimental studies and prediction algorithms are not available or were not evaluated, and the functional significance of this variant is currently unknown. This variant has not been reported in the literature in individuals affected with TGFB2-related conditions. This variant is not present in population databases (gnomAD no frequency). This variant, c.64_66del, results in the deletion of 1 amino acid(s) of the TGFB2 protein (p.Ser22del), but otherwise preserves the integrity of the reading frame.

NM_003238.6(TGFB2):c.64_66del (p.Ser22del)

Gene: TGFB2 (transforming growth factor beta 2; plus strand). Cytogenetic location: 1q41.
Variant type: Deletion.
Coding change: c.64_66del on transcript NM_003238.6 (MANE Select); coding-DNA positions 64 to 66, 3 bases deleted (TCT; older notation c.64_66delTCT).
Protein change: p.Ser22del; deletes serine 22.
Molecular consequence: inframe deletion. On other transcripts: non-coding transcript variant (2).
Genome position (GRCh38, 1-based): chr1:218,346,765-218,346,767, TCT deleted. VCF-style (leftmost placement, unchanged base first): chr1-218346764-GTCT-G. GRCh37 (hg19) VCF-style: chr1-218520106-GTCT-G.
Other names: c.64_66del, p.Ser22del (NM_001135599.4); short protein forms S22del.
Identifiers: ClinVar variation 1460771 (VCV001460771.6), dbSNP rs2102527414, ClinGen allele CA2573132775.
Genomic context (GRCh38, chr1:218,346,764, plus strand): 5'-GCACTACTGTGTGCTGAGCGCTTTTCTGATCCTGCATCTGGTCACGGTCGCGCTCAGCCT[GTCT>G]ACCTGCAGCACACTCGATATGGACCAGTTCATGCGCAAGAGGATCGAGGCGATCCGCGGG-3'